The following is an entry in ClinVar:

ClinVar aggregate classification (germline): Likely benign. Review status: criteria provided, multiple submitters, no conflicts (2 of 4 stars). 2 submissions from 2 submitters: Likely benign (2). Last evaluated 2025-07-30.

Allele frequency attached by ClinVar (database versions not stated): TOPMed below 0.00001; ExAC 0.00001; gnomAD 0.00001.
gnomAD v4.1: 12 of 1,613,398 alleles (0.00074%); highest among the groups gnomAD compares: South Asian, 0.0033%; no homozygotes.

Submissions (2):

Labcorp Genetics (formerly Invitae), Labcorp
Classification: Likely benign. Last evaluated: 2025-07-30. Review status: criteria provided, single submitter. Criteria: Invitae Variant Classification Sherloc (09022015). Collection method: clinical testing. Allele origin: germline.

CeGaT Center for Human Genetics Tuebingen
Classification: Likely benign. Last evaluated: 2023-05-01. Review status: criteria provided, single submitter. Criteria: CeGaT Center For Human Genetics Tuebingen Variant Classification Criteria Version 2. Collection method: clinical testing. Allele origin: germline. Affected: yes. Observed: 1 variant allele.
Comment: CACNA1B: BP4, BP7

NM_000718.4(CACNA1B):c.972C>T (p.Asn324=)

Gene: CACNA1B (calcium voltage-gated channel subunit alpha1 B; plus strand). Cytogenetic location: 9q34.3.
Variant type: single nucleotide variant.
Coding change: c.972C>T on transcript NM_000718.4 (MANE Select); coding-DNA position 972, C replaced by T.
Protein change: p.Asn324=; no amino-acid change (asparagine 324 retained).
Molecular consequence: synonymous variant.
Genome position (GRCh38, 1-based): chr9:137,952,279, C>T. VCF-style: chr9-137952279-C-T. GRCh37 (hg19) VCF-style: chr9-140846731-C-T.
Other names: c.972C>T, p.Asn324= (NM_001243812.2).
Identifiers: ClinVar variation 2659850 (VCV002659850.26), dbSNP rs763956032, ClinGen allele CA5376013.
Genomic context (GRCh38, chr9:137,952,279, plus strand): 5'-GGCCGGGACTGTGTTTTGTCCCTGTCCTTCCTCATCTCCCTCTCCTTGCTTCCAGACAAA[C>T]GATGCGGCCGGCAACACCTGGAACTGGCTCTACTTCATCCCTCTCATCATCATCGGCTCC-3'
Protein context (NP_000709.1, residues 314-334): EGWTDILYNT[Asn324=]DAAGNTWNWL